The following is an entry in ClinVar:

NM_002379.3(MATN1):c.726C>T (p.Pro242=)

Gene: MATN1 (matrilin 1; minus strand). Cytogenetic location: 1p35.2.
Variant type: single nucleotide variant.
Coding change: c.726C>T on transcript NM_002379.3 (MANE Select); coding-DNA position 726, C replaced by T.
Protein change: p.Pro242=; no amino-acid change (proline 242 retained).
Molecular consequence: synonymous variant.
Genome position (GRCh38, 1-based): chr1:30,716,854, G>A on the plus strand (C>T on the coding strand, the complement: MATN1 is on the minus strand). VCF-style: chr1-30716854-G-A. GRCh37 (hg19) VCF-style: chr1-31189701-G-A.
Identifiers: ClinVar variation 2638592 (VCV002638592.24), dbSNP rs200056806, ClinGen allele CA727654.

ClinVar aggregate classification (germline): Likely benign (1 of 4 stars; one submission).

Allele frequency attached by ClinVar (database versions not stated): ESP Exome Variant Server 0.00008; 1000 Genomes Project 30x 0.00047; 1000 Genomes Project 0.00060.
gnomAD v4.1: 200 of 1,613,690 alleles (0.012%); highest among the groups gnomAD compares: East Asian, 0.24%; 1 homozygote.

Submission:

CeGaT Center for Human Genetics Tuebingen
Classification: Likely benign. Last evaluated: 2024-02-01. Review status: criteria provided, single submitter. Criteria: CeGaT Center For Human Genetics Tuebingen Variant Classification Criteria Version 2. Collection method: clinical testing. Allele origin: germline. Affected: yes. Observed: 1 variant allele.
Comment: MATN1: BP4, BP7